The following is an entry in ClinVar:

ClinVar aggregate classification (germline): Uncertain significance. Review status: criteria provided, multiple submitters, no conflicts (2 of 4 stars). 2 submissions from 2 submitters: Uncertain significance (2). Last evaluated 2022-12-28.

Conditions:
Inborn genetic diseases. Identifiers: MedGen C0950123, MeSH D030342.

Allele frequency attached by ClinVar (database versions not stated): gnomAD exomes below 0.00001; gnomAD 0.00001; TOPMed 0.00001.

Submissions (2):

GeneDx
Classification: Uncertain significance. Last evaluated: 2022-12-28. Review status: criteria provided, single submitter. Criteria: GeneDx Variant Classification Process June 2021. Collection method: clinical testing. Allele origin: germline. Affected: yes.
Comment: Not observed at significant frequency in large population cohorts (gnomAD); In silico analysis supports that this missense variant has a deleterious effect on protein structure/function; Has not been previously published as pathogenic or benign to our knowledge

Ambry Genetics
Classification: Uncertain significance for Inborn genetic diseases. Last evaluated: 2022-11-18. Review status: criteria provided, single submitter. Criteria: Ambry Variant Classification Scheme 2023. Collection method: clinical testing. Allele origin: germline.

NM_000526.5(KRT14):c.1199T>G (p.Ile400Ser)

Gene: KRT14 (keratin 14; minus strand). Cytogenetic location: 17q21.2.
Variant type: single nucleotide variant.
Coding change: c.1199T>G on transcript NM_000526.5 (MANE Select); coding-DNA position 1199, T replaced by G.
Protein change: p.Ile400Ser; replaces isoleucine 400 with serine.
Molecular consequence: missense variant.
Genome position (GRCh38, 1-based): chr17:41,583,310, A>C on the plus strand (T>G on the coding strand, the complement: KRT14 is on the minus strand). VCF-style: chr17-41583310-A-C. GRCh37 (hg19) VCF-style: chr17-39739562-A-C.
Other names: short protein forms I400S.
Identifiers: ClinVar variation 2222076 (VCV002222076.3), dbSNP rs1352692209, ClinGen allele CA399475539.